The following is an entry in ClinVar:

ClinVar aggregate classification (germline): Uncertain significance (1 of 4 stars; one submission).

Submission:

Labcorp Genetics (formerly Invitae), Labcorp
Classification: Uncertain significance. Last evaluated: 2022-11-28. Review status: criteria provided, single submitter. Criteria: Invitae Variant Classification Sherloc (09022015). Collection method: clinical testing. Allele origin: germline.
Comment: This variant is not present in population databases (gnomAD no frequency). This sequence change affects an acceptor splice site in intron 5 of the ITGAM gene. It is expected to disrupt RNA splicing. Variants that disrupt the donor or acceptor splice site typically lead to a loss of protein function (PMID: 16199547), however the current clinical and genetic evidence is not sufficient to establish whether loss-of-function variants in ITGAM cause disease. This variant has not been reported in the literature in individuals affected with ITGAM-related conditions. In summary, the available evidence is currently insufficient to determine the role of this variant in disease. Therefore, it has been classified as a Variant of Uncertain Significance. Algorithms developed to predict the effect of sequence changes on RNA splicing suggest that this variant may disrupt the consensus splice site.

Literature cited by the submitters: PubMed 16199547.

NM_000632.4(ITGAM):c.428-2A>G

Gene: ITGAM (integrin subunit alpha M; plus strand). Cytogenetic location: 16p11.2.
Variant type: single nucleotide variant.
Coding change: c.428-2A>G on transcript NM_000632.4 (MANE Select); the canonical splice acceptor site of the intron before coding-DNA position 428, A replaced by G.
Molecular consequence: splice acceptor variant.
Genome position (GRCh38, 1-based): chr16:31,270,952, A>G. VCF-style: chr16-31270952-A-G. GRCh37 (hg19) VCF-style: chr16-31282273-A-G.
Other names: c.428-2A>G (NM_001145808.2).
Identifiers: ClinVar variation 2026243 (VCV002026243.4), dbSNP rs2544379157, ClinGen allele CA395688520.